The following is an entry in ClinVar:

NM_001754.5(RUNX1):c.334C>T (p.Leu112=)

Gene: RUNX1 (RUNX family transcription factor 1; minus strand). Cytogenetic location: 21q22.12.
Variant type: single nucleotide variant.
Coding change: c.334C>T on transcript NM_001754.5 (MANE Select); coding-DNA position 334, C replaced by T.
Protein change: p.Leu112=; no amino-acid change (leucine 112 retained).
Molecular consequence: synonymous variant.
Genome position (GRCh38, 1-based): chr21:34,886,860, G>A on the plus strand (C>T on the coding strand, the complement: RUNX1 is on the minus strand). VCF-style: chr21-34886860-G-A. GRCh37 (hg19) VCF-style: chr21-36259157-G-A.
Other names: NM_001754.5(RUNX1):c.334C>T; p.Leu112=; c.253C>T, p.Leu85= (NM_001001890.3, NM_001122607.2).
Identifiers: ClinVar variation 3791475 (VCV003791475.4).

ClinVar aggregate classification (germline): Likely benign. Review status: reviewed by expert panel (3 of 4 stars). 3 submissions from 3 submitters: Likely benign (1). 2 of the submissions do not count toward it. Last evaluated 2026-05-04.

Conditions:
Hereditary thrombocytopenia and hematological cancer predisposition syndrome associated with RUNX1. Also called: RUNX1 Familial Platelet Disorder with Associated Myeloid Malignancies; Familial Platelet Disorder with Propensity to Acute Myelogenous Leukemia; Familial thrombocytopenia with propensity to acute myelogenous leukemia; PLATELET DISORDER, ASPIRIN-LIKE. Identifiers: Orphanet 71290, MedGen C1832388, MeSH C563324, MONDO:0100083, OMIM 601399.
Inborn genetic diseases. Identifiers: MedGen C0950123, MeSH D030342.
Hereditary thrombocytopenia and hematologic cancer predisposition syndrome. Identifiers: Orphanet 71290, MedGen CN281654, MONDO:0011071.

gnomAD v4.1: 1 of 1,613,552 alleles (0.000062%); highest among the groups gnomAD compares: Non-Finnish European, 0.000085%; no homozygotes.

Submissions (3):

ClinGen Myeloid Malignancy Variant Curation Expert Panel
Classification: Likely benign for Hereditary thrombocytopenia and hematologic cancer predisposition syndrome. Last evaluated: 2026-05-04. Review status: reviewed by expert panel. Criteria: ClinGen MyeloMalig ACMG Specifications V3.1. Collection method: curation. Allele origin: germline. Inheritance: Autosomal dominant inheritance.
Comment: NM_001754.5(RUNX1):c.334C>T (p.Leu112=) is a synonymous variant which has a SpliceAI score ≤ 0.20 (0.00) (BP4, BP7). This variant is completely absent from all population databases with at least 20x coverage for RUNX1 (PM2_supporting). In summary, this variant meets criteria to be classified as likely benign. ACMG/AMP criteria applied, as specified by the Myeloid Malignancy Variant Curation Expert Panel for RUNX1: BP4, BP7, PM2_supporting.

Labcorp Genetics (formerly Invitae), Labcorp
Classification: Likely benign for Hereditary thrombocytopenia and hematological cancer predisposition syndrome associated with RUNX1. Last evaluated: 2025-04-08. Review status: criteria provided, single submitter. Criteria: Invitae Variant Classification Sherloc (09022015). Collection method: clinical testing. Allele origin: germline. Not counted in ClinVar's aggregate classification.

Ambry Genetics
Classification: Likely benign for Inborn genetic diseases. Last evaluated: 2025-01-13. Review status: criteria provided, single submitter. Criteria: Ambry Variant Classification Scheme 2023. Collection method: clinical testing. Allele origin: germline. Not counted in ClinVar's aggregate classification.